The following is an entry in ClinVar:

NM_001353345.2(SETD1B):c.1071C>T (p.Val357=)

Gene: SETD1B (SET domain containing 1B, histone lysine methyltransferase; plus strand). Cytogenetic location: 12q24.31.
Variant type: single nucleotide variant.
Coding change: c.1071C>T on transcript NM_001353345.2 (MANE Select); coding-DNA position 1071, C replaced by T.
Protein change: p.Val357=; no amino-acid change (valine 357 retained).
Molecular consequence: synonymous variant.
Genome position (GRCh38, 1-based): chr12:121,810,016, C>T. VCF-style: chr12-121810016-C-T. GRCh37 (hg19) VCF-style: chr12-122247922-C-T.
Other names: NM_015048.1:c.1071C>T.
Identifiers: ClinVar variation 2643423 (VCV002643423.26), dbSNP rs760230171, ClinGen allele CA6838828.

ClinVar aggregate classification (germline): Likely benign. Review status: criteria provided, multiple submitters, no conflicts (2 of 4 stars). 3 submissions from 3 submitters: Likely benign (3). Last evaluated 2024-05-26.

Conditions:
Inborn genetic diseases. Identifiers: MedGen C0950123, MeSH D030342.

Allele frequency attached by ClinVar (database versions not stated): TOPMed 0.00006; gnomAD 0.00009; gnomAD exomes 0.00010; ExAC 0.00046.
gnomAD v4.1: 155 of 1,550,384 alleles (0.01%); highest among the groups gnomAD compares: South Asian, 0.069%; 2 homozygotes.

Submissions (3):

Ambry Genetics
Classification: Likely benign for Inborn genetic diseases. Last evaluated: 2024-05-26. Review status: criteria provided, single submitter. Criteria: Ambry Variant Classification Scheme 2023. Collection method: clinical testing. Allele origin: germline.

Blueprint Genetics
Classification: Likely benign. Last evaluated: 2024-04-02. Review status: criteria provided, single submitter. Criteria: ACMG Guidelines, 2015. Collection method: clinical testing. Allele origin: germline.

CeGaT Center for Human Genetics Tuebingen
Classification: Likely benign. Last evaluated: 2024-01-01. Review status: criteria provided, single submitter. Criteria: CeGaT Center For Human Genetics Tuebingen Variant Classification Criteria Version 2. Collection method: clinical testing. Allele origin: germline. Affected: yes. Observed: 2 variant alleles.
Comment: SETD1B: BP4, BP7